The following is an entry in ClinVar:

ClinVar aggregate classification (germline): Uncertain significance (1 of 4 stars; one submission).

Submission:

Laboratorio de Genetica e Diagnostico Molecular, Hospital Israelita Albert Einstein
Classification: Uncertain significance. Last evaluated: 2019-07-22. Review status: criteria provided, single submitter. Criteria: ACMG Guidelines, 2015. Collection method: clinical testing. Allele origin: germline. Affected: yes.
Comment: ACMG classification criteria: PM2, PP3

NM_001375524.1(TRRAP):c.5049C>G (p.Phe1683Leu)

Genes: TRRAP (transformation/transcription domain associated protein; plus strand), LOC126860121 (MED14-independent group 3 enhancer GRCh37_chr7:98547245-98548444; plus strand). Cytogenetic location: 7q22.1.
Variant type: single nucleotide variant.
Coding change: c.5049C>G on transcript NM_001375524.1 (MANE Select); coding-DNA position 5049, C replaced by G.
Protein change: p.Phe1683Leu; replaces phenylalanine 1683 with leucine.
Molecular consequence: missense variant.
Genome position (GRCh38, 1-based): chr7:98,949,755, C>G. VCF-style: chr7-98949755-C-G. GRCh37 (hg19) VCF-style: chr7-98547378-C-G.
Other names: c.5028C>G, p.Phe1676Leu (NM_001244580.2); c.4974C>G, p.Phe1658Leu (NM_003496.4); short protein forms F1658L, F1676L, F1683L.
Identifiers: ClinVar variation 1690661 (VCV001690661.2), dbSNP rs376312202, ClinGen allele CA368314174.